The following is an entry in ClinVar:

ClinVar aggregate classification (germline): Conflicting classifications of pathogenicity. Review status: criteria provided, conflicting classifications (1 of 4 stars). 8 submissions from 8 submitters: Uncertain significance (7); Likely benign (1). Last evaluated 2026-08-25.

Conditions:
PHYH-related disorder. Also called: PHYH-related condition.
Refsum disease, classic. Also called: PHYH-Related Refsum Disease; HEREDOPATHIA ATACTICA POLYNEURITIFORMIS; HMSN IV; PHYTANIC ACID OXIDASE DEFICIENCY. Identifiers: Orphanet 773, MedGen C5780941, MONDO:1060256, OMIM 266500. Disease mechanism: loss of function.

Allele frequency attached by ClinVar (database versions not stated): 1000 Genomes Project 0.00020; 1000 Genomes Project 30x 0.00031; gnomAD exomes 0.00084; TOPMed 0.00085; ExAC 0.00087; gnomAD 0.00090 and 0.00093; ESP Exome Variant Server 0.00100.
gnomAD v4.1: 2,164 of 1,614,076 alleles (0.13%); highest among the groups gnomAD compares: Non-Finnish European, 0.17%; 1 homozygote.

Submissions (15):

PreventionGenetics, part of Exact Sciences
Classification: Uncertain significance for PHYH-related condition. Last evaluated: 2026-08-25. Review status: criteria provided, single submitter. Criteria: ACMG Guidelines, 2015. Collection method: clinical testing. Allele origin: germline.
Comment: The PHYH c.829-3C>A variant is predicted to interfere with splicing. This variant is predicted to impact splicing based on available splicing prediction programs (SpliceAI, Jaganathan et al. 2019. PubMed ID: 30661751). To our knowledge, this variant has not been reported in the literature. This variant is reported in 0.14% of alleles in individuals of European (Non-Finnish) descent in gnomAD. Although we suspect that this variant may be benign, at this time, the clinical significance of this variant is uncertain due to the absence of conclusive functional and genetic evidence.

GeneDx
Classification: Uncertain significance. Last evaluated: 2025-08-04. Review status: criteria provided, single submitter. Criteria: GeneDx Variant Classification Process June 2021. Collection method: clinical testing. Allele origin: germline. Affected: yes.
Comment: Has not been previously published as pathogenic or benign to our knowledge; In silico analysis suggests this variant may impact gene splicing. In the absence of RNA/functional studies, the actual effect of this sequence change is unknown.

Blueprint Genetics
Classification: Likely benign. Last evaluated: 2024-11-18. Review status: criteria provided, single submitter. Criteria: ACMG Guidelines, 2015. Collection method: clinical testing. Allele origin: germline.

Labcorp Genetics (formerly Invitae), Labcorp
Classification: Uncertain significance. Last evaluated: 2022-11-01. Review status: criteria provided, single submitter. Criteria: Invitae Variant Classification Sherloc (09022015). Collection method: clinical testing. Allele origin: germline.
Comment: This sequence change falls in intron 7 of the PHYH gene. It does not directly change the encoded amino acid sequence of the PHYH protein. It affects a nucleotide within the consensus splice site. This variant is present in population databases (rs116930123, gnomAD 0.1%), and has an allele count higher than expected for a pathogenic variant. This variant has not been reported in the literature in individuals affected with PHYH-related conditions. ClinVar contains an entry for this variant (Variation ID: 299245). Variants that disrupt the consensus splice site are a relatively common cause of aberrant splicing (PMID: 17576681, 9536098). Algorithms developed to predict the effect of sequence changes on RNA splicing suggest that this variant may create or strengthen a splice site. In summary, the available evidence is currently insufficient to determine the role of this variant in disease. Therefore, it has been classified as a Variant of Uncertain Significance.

Mayo Clinic Laboratories, Mayo Clinic
Classification: Uncertain significance. Last evaluated: 2021-12-30. Review status: criteria provided, single submitter. Criteria: ACMG Guidelines, 2015. Collection method: clinical testing. Allele origin: germline.

Illumina Laboratory Services, Illumina
Classification: Uncertain significance for Refsum disease, classic. Last evaluated: 2018-01-13. Review status: criteria provided, single submitter. Criteria: ICSL Variant Classification Criteria 13 December 2019. Collection method: clinical testing. Allele origin: germline.

CeGaT Center for Human Genetics Tuebingen
Classification: Uncertain significance. Last evaluated: 2017-04-01. Review status: criteria provided, single submitter. Criteria: CeGaT Center For Human Genetics Tuebingen Variant Classification Criteria Version 2. Collection method: clinical testing. Allele origin: germline. Affected: yes. Observed: 1 variant allele.

Breakthrough Genomics
Classification: Uncertain significance. Review status: criteria provided, single submitter. Criteria: ACMG Guidelines, 2015. Collection method: not provided. Allele origin: germline. Inheritance: Autosomal recessive inheritance. Affected: yes.

Dr. Peter K. Rogan Lab, Western University
No classification provided (evidence only). Condition: Lung cancer. Review status: no classification provided. Collection method: in vitro. Allele origin: not applicable. Functional consequence: skipped exon. Not counted in ClinVar's aggregate classification.

Dr. Peter K. Rogan Lab, Western University
No classification provided (evidence only). Condition: Lung cancer. Review status: no classification provided. Collection method: in vitro. Allele origin: not applicable. Functional consequence: skipped exon. Not counted in ClinVar's aggregate classification.

Dr. Peter K. Rogan Lab, Western University
No classification provided (evidence only). Condition: Lung cancer. Review status: no classification provided. Collection method: in vitro. Allele origin: not applicable. Functional consequence: skipped exon. Not counted in ClinVar's aggregate classification.

Dr. Peter K. Rogan Lab, Western University
No classification provided (evidence only). Condition: Melanoma. Review status: no classification provided. Collection method: in vitro. Allele origin: not applicable. Functional consequence: retained intron. Not counted in ClinVar's aggregate classification.

Dr. Peter K. Rogan Lab, Western University
No classification provided (evidence only). Condition: Melanoma. Review status: no classification provided. Collection method: in vitro. Allele origin: not applicable. Functional consequence: skipped exon. Not counted in ClinVar's aggregate classification.

Dr. Peter K. Rogan Lab, Western University
No classification provided (evidence only). Condition: Sarcoma. Review status: no classification provided. Collection method: in vitro. Allele origin: not applicable. Functional consequence: skipped exon. Not counted in ClinVar's aggregate classification.

Dr. Peter K. Rogan Lab, Western University
No classification provided (evidence only). Condition: Malignant tumor of esophagus. Review status: no classification provided. Collection method: in vitro. Allele origin: not applicable. Functional consequence: skipped exon. Not counted in ClinVar's aggregate classification.

Literature cited by the submitters: PubMed 17576681 (cited by Labcorp Genetics (formerly Invitae), Labcorp); PubMed 9536098 (cited by Labcorp Genetics (formerly Invitae), Labcorp).

NM_006214.4(PHYH):c.829-3C>A

Gene: PHYH (phytanoyl-CoA 2-hydroxylase; minus strand). Cytogenetic location: 10p13.
Variant type: single nucleotide variant.
Coding change: c.829-3C>A on transcript NM_006214.4 (MANE Select); 3 bases into the intron before coding-DNA position 829, C replaced by A.
Molecular consequence: intron variant.
Genome position (GRCh38, 1-based): chr10:13,281,113, G>T on the plus strand (C>A on the coding strand, the complement: PHYH is on the minus strand). VCF-style: chr10-13281113-G-T. GRCh37 (hg19) VCF-style: chr10-13323113-G-T.
Other names: c.565-3C>A (NM_001323083.2); c.835-3C>A (NM_001323082.2); c.529-3C>A (NM_001037537.2, NM_001323080.2); c.535-3C>A (NM_001323084.2).
Identifiers: ClinVar variation 299245 (VCV000299245.62), dbSNP rs116930123, ClinGen allele CA5412223.